The following is an entry in ClinVar:

ClinVar aggregate classification (germline): Likely benign (1 of 4 stars; one submission).

Conditions:
SCAPER-related disorder. Also called: SCAPER-related condition.

gnomAD v4.1: 1 of 1,610,346 alleles (0.000062%); highest among the groups gnomAD compares: Non-Finnish European, 0.000085%; no homozygotes.

Submission:

PreventionGenetics, part of Exact Sciences
Classification: Likely benign for SCAPER-related condition. Last evaluated: 2024-10-04. Review status: criteria provided, single submitter. Criteria: ACMG Guidelines, 2015. Collection method: clinical testing. Allele origin: germline.
Comment: This variant is classified as likely benign based on ACMG/AMP sequence variant interpretation guidelines (Richards et al. 2015 PMID: 25741868, with internal and published modifications).

NM_020843.4(SCAPER):c.2304T>A (p.Ala768=)

Gene: SCAPER (S-phase cyclin A associated protein in the ER; minus strand). Cytogenetic location: 15q24.3.
Variant type: single nucleotide variant.
Coding change: c.2304T>A on transcript NM_020843.4 (MANE Select); coding-DNA position 2304, T replaced by A.
Protein change: p.Ala768=; no amino-acid change (alanine 768 retained).
Molecular consequence: synonymous variant. On other transcripts: non-coding transcript variant (1).
Genome position (GRCh38, 1-based): chr15:76,702,946, A>T on the plus strand (T>A on the coding strand, the complement: SCAPER is on the minus strand). VCF-style: chr15-76702946-A-T. GRCh37 (hg19) VCF-style: chr15-76995287-A-T.
Other names: c.1566T>A, p.Ala522= (NM_001145923.2); c.2322T>A, p.Ala774= (NM_001353009.2); c.1902T>A, p.Ala634= (NM_001353010.2, NM_001353012.2); c.1920T>A, p.Ala640= (NM_001353011.2).
Identifiers: ClinVar variation 4977413 (VCV004977413.1).